The following is an entry in ClinVar:

NM_001127392.3(MYRF):c.3097T>G (p.Cys1033Gly)

Gene: MYRF (myelin regulatory factor; plus strand). Cytogenetic location: 11q12.2.
Variant type: single nucleotide variant.
Coding change: c.3097T>G on transcript NM_001127392.3 (MANE Select); coding-DNA position 3097, T replaced by G.
Protein change: p.Cys1033Gly; replaces cysteine 1033 with glycine.
Molecular consequence: missense variant.
Genome position (GRCh38, 1-based): chr11:61,783,578, T>G. VCF-style: chr11-61783578-T-G. GRCh37 (hg19) VCF-style: chr11-61551050-T-G.
Other names: c.2977T>G, p.Cys993Gly (NM_013279.4); short protein forms C1033G, C993G.
Identifiers: ClinVar variation 3365995 (VCV003365995.1).
Genomic context (GRCh38, chr11:61,783,578, plus strand): 5'-GTGCCCTCCCTGACCTCCATCCAGGTGCTGGAGAATTCGATGTCCATCACCTCCCAGTAC[T>G]GTGCTCCAGGGGATGCCTGCAGGTGGGCTGGGCTCCCTCCCCTCACCCAGGGAGGTCCTC-3'
Protein context (NP_001120864.1, residues 1023-1043): ENSMSITSQY[Cys1033Gly]APGDACRPGN

ClinVar aggregate classification (germline): Uncertain significance (1 of 4 stars; one submission).

Submission:

GeneDx
Classification: Uncertain significance. Last evaluated: 2023-10-16. Review status: criteria provided, single submitter. Criteria: GeneDx Variant Classification Process June 2021. Collection method: clinical testing. Allele origin: germline. Affected: yes.
Comment: Not observed at significant frequency in large population cohorts (gnomAD); In silico analysis supports that this missense variant has a deleterious effect on protein structure/function; In silico analysis suggests this variant may impact gene splicing. In the absence of RNA/functional studies, the actual effect of this sequence change is unknown.; Has not been previously published as pathogenic or benign to our knowledge